The following is an entry in ClinVar:

NM_015046.7(SETX):c.7660T>A (p.Phe2554Ile)

Gene: SETX (senataxin; minus strand). Cytogenetic location: 9q34.13.
Variant type: single nucleotide variant.
Coding change: c.7660T>A on transcript NM_015046.7 (MANE Select); coding-DNA position 7660, T replaced by A.
Protein change: p.Phe2554Ile; replaces phenylalanine 2554 with isoleucine.
Molecular consequence: missense variant.
Genome position (GRCh38, 1-based): chr9:132,264,613, A>T on the plus strand (T>A on the coding strand, the complement: SETX is on the minus strand). VCF-style: chr9-132264613-A-T. GRCh37 (hg19) VCF-style: chr9-135140000-A-T.
Other names: p.Phe2554Ile; c.7660T>A, p.Phe2554Ile (NM_001351527.2); c.7747T>A, p.Phe2583Ile (NM_001351528.2); short protein forms F2554I, F2583I.
Identifiers: ClinVar variation 536388 (VCV000536388.17), dbSNP rs368269464, ClinGen allele CA5296362.

ClinVar aggregate classification (germline): Conflicting classifications of pathogenicity. Review status: criteria provided, conflicting classifications (1 of 4 stars). 5 submissions from 5 submitters: Uncertain significance (3); Benign (1). 1 of the submissions does not count toward it. Last evaluated 2025-12-08.

Conditions:
Inborn genetic diseases. Identifiers: MedGen C0950123, MeSH D030342.
Amyotrophic lateral sclerosis type 4 (ALS4). Also called: NEURONOPATHY, DISTAL HEREDITARY MOTOR, WITH PYRAMIDAL FEATURES; AMYOTROPHIC LATERAL SCLEROSIS 4, JUVENILE. Identifiers: Orphanet 357043, MedGen C1865409, MONDO:0011223, OMIM 602433.
Spinocerebellar ataxia, autosomal recessive, with axonal neuropathy 2 (SCAN2). Also called: ATAXIA-OCULOMOTOR APRAXIA 2; Ataxia with Oculomotor Apraxia; Ataxia with Oculomotor Apraxia Type 2; Ataxia-ocular apraxia-2. Identifiers: Orphanet 64753, MedGen C1853761, MONDO:0018996, OMIM 606002.
SETX-related disorder. Also called: SETX-related condition; SETX-related disorders. Identifiers: MedGen CN239403.

Allele frequency attached by ClinVar (database versions not stated): gnomAD 0.00006 and 0.00007; TOPMed 0.00006; ESP Exome Variant Server 0.00008; 1000 Genomes Project 30x 0.00016; 1000 Genomes Project 0.00020.
gnomAD v4.1: 68 of 1,614,164 alleles (0.0042%); highest among the groups gnomAD compares: Admixed American, 0.033%; no homozygotes.

Submissions (5):

Labcorp Genetics (formerly Invitae), Labcorp
Classification: Benign for Amyotrophic lateral sclerosis type 4; Spinocerebellar ataxia, autosomal recessive, with axonal neuropathy 2. Last evaluated: 2025-12-08. Review status: criteria provided, single submitter. Criteria: Invitae Variant Classification Sherloc (09022015). Collection method: clinical testing. Allele origin: germline.

Mayo Clinic Laboratories, Mayo Clinic
Classification: Uncertain significance. Last evaluated: 2025-10-24. Review status: criteria provided, single submitter. Criteria: ACMG Guidelines, 2015. Collection method: clinical testing. Allele origin: germline. Observed: 1 variant allele.
Comment: BP4_moderate

Athena Diagnostics
Classification: Uncertain significance. Last evaluated: 2024-02-15. Review status: criteria provided, single submitter. Criteria: Athena Diagnostics Criteria. Collection method: clinical testing. Allele origin: unknown.

Ambry Genetics
Classification: Uncertain significance for Inborn genetic diseases. Last evaluated: 2022-03-28. Review status: criteria provided, single submitter. Criteria: Ambry Variant Classification Scheme 2023. Collection method: clinical testing. Allele origin: germline.
Comment: The p.F2554I variant (also known as c.7660T>A), located in coding exon 24 of the SETX gene, results from a T to A substitution at nucleotide position 7660. The phenylalanine at codon 2554 is replaced by isoleucine, an amino acid with highly similar properties. This amino acid position is poorly conserved in available vertebrate species. In addition, this alteration is predicted to be tolerated by in silico analysis. Since supporting evidence is limited at this time, the clinical significance of this alteration remains unclear.

PreventionGenetics, part of Exact Sciences
Classification: Uncertain significance for SETX-related condition. Last evaluated: 2023-11-22. Review status: no assertion criteria provided. Collection method: clinical testing. Allele origin: germline. Not counted in ClinVar's aggregate classification.
Comment: The SETX c.7660T>A variant is predicted to result in the amino acid substitution p.Phe2554Ile. To our knowledge, this variant has not been reported in the literature. This variant is reported in 0.028% of alleles in individuals of Latino descent in gnomAD. At this time, the clinical significance of this variant is uncertain due to the absence of conclusive functional and genetic evidence.

Literature cited by the submitters: PubMed 28642336 (cited by Mayo Clinic Laboratories, Mayo Clinic and Athena Diagnostics).